The following is an entry in ClinVar:

NM_001347721.2(DYRK1A):c.1613A>G (p.Gln538Arg)

Gene: DYRK1A (dual specificity tyrosine phosphorylation regulated kinase 1A; plus strand). Cytogenetic location: 21q22.13.
Variant type: single nucleotide variant.
Coding change: c.1613A>G on transcript NM_001347721.2 (MANE Select); coding-DNA position 1613, A replaced by G.
Protein change: p.Gln538Arg; replaces glutamine 538 with arginine.
Molecular consequence: missense variant. On other transcripts: intron variant (1).
Genome position (GRCh38, 1-based): chr21:37,506,192, A>G. VCF-style: chr21-37506192-A-G. GRCh37 (hg19) VCF-style: chr21-38878495-A-G.
Other names: c.1613A>G, p.Gln538Arg (NM_001347722.2, NM_130436.2); c.1526A>G, p.Gln509Arg (NM_001347723.2); c.1640A>G, p.Gln547Arg (NM_001396.5, NM_101395.2); c.1546+603A>G (NM_130438.2); short protein forms Q547R, Q509R, Q538R.
Identifiers: ClinVar variation 946812 (VCV000946812.10), dbSNP rs2053592141, ClinGen allele CA409938978.
Genomic context (GRCh38, chr21:37,506,192, plus strand): 5'-CCCGGTCGGATCCGACGCACCAGCATCGGCACAGTGGTGGGCACTTCACAGCTGCCGTGC[A>G]GGCCATGGACTGCGAGACACACAGTCCCCAGGTGAGCTCGCACGTGGTTCATTTGCTTGT-3'
Protein context (NP_001334650.1, residues 528-548): HSGGHFTAAV[Gln538Arg]AMDCETHSPQ

ClinVar aggregate classification (germline): Uncertain significance (1 of 4 stars; one submission).

Conditions:
DYRK1A-related intellectual disability syndrome (MRD7). Also called: Intellectual developmental disorder, autosomal dominant 7; DYRK1A Syndrome. Identifiers: Orphanet 464306, MedGen C5568143, MONDO:0013578, OMIM 614104.

Allele frequency attached by ClinVar (database versions not stated): gnomAD exomes below 0.00001.
gnomAD v4.1: 1 of 1,614,200 alleles (0.000062%); highest among the groups gnomAD compares: African/African-American, 0.0013%; no homozygotes.

Submission:

Labcorp Genetics (formerly Invitae), Labcorp
Classification: Uncertain significance for DYRK1A-related intellectual disability syndrome. Last evaluated: 2025-02-03. Review status: criteria provided, single submitter. Criteria: Invitae Variant Classification Sherloc (09022015). Collection method: clinical testing. Allele origin: germline.
Comment: This sequence change replaces glutamine, which is neutral and polar, with arginine, which is basic and polar, at codon 547 of the DYRK1A protein (p.Gln547Arg). This variant is not present in population databases (gnomAD no frequency). This variant has not been reported in the literature in individuals affected with DYRK1A-related conditions. ClinVar contains an entry for this variant (Variation ID: 946812). Invitae Evidence Modeling of protein sequence and biophysical properties (such as structural, functional, and spatial information, amino acid conservation, physicochemical variation, residue mobility, and thermodynamic stability) indicates that this missense variant is not expected to disrupt DYRK1A protein function with a negative predictive value of 95%. In summary, the available evidence is currently insufficient to determine the role of this variant in disease. Therefore, it has been classified as a Variant of Uncertain Significance.